The following is an entry in ClinVar:

ClinVar aggregate classification (germline): Uncertain significance (1 of 4 stars; one submission).

Allele frequency attached by ClinVar (database versions not stated): gnomAD exomes below 0.00001; TOPMed 0.00002.

Submission:

Labcorp Genetics (formerly Invitae), Labcorp
Classification: Uncertain significance. Last evaluated: 2025-08-24. Review status: criteria provided, single submitter. Criteria: Invitae Variant Classification Sherloc (09022015). Collection method: clinical testing. Allele origin: germline.
Comment: This sequence change falls in intron 2 of the ATP6AP1 gene. It does not directly change the encoded amino acid sequence of the ATP6AP1 protein. It affects a nucleotide within the consensus splice site. This variant is not present in population databases (gnomAD no frequency). This variant has not been reported in the literature in individuals affected with ATP6AP1-related conditions. ClinVar contains an entry for this variant (Variation ID: 1921926). Variants that disrupt the consensus splice site are a relatively common cause of aberrant splicing (PMID: 17576681, 9536098). Algorithms developed to predict the effect of sequence changes on RNA splicing suggest that this variant is not likely to affect RNA splicing. In summary, the available evidence is currently insufficient to determine the role of this variant in disease. Therefore, it has been classified as a Variant of Uncertain Significance.

Literature cited by the submitters: PubMed 17576681; PubMed 9536098.

NM_001183.6(ATP6AP1):c.289-3T>C

Gene: ATP6AP1 (ATPase H+ transporting accessory protein 1; plus strand). Cytogenetic location: Xq28.
Variant type: single nucleotide variant.
Coding change: c.289-3T>C on transcript NM_001183.6 (MANE Select); 3 bases into the intron before coding-DNA position 289, T replaced by C.
Molecular consequence: intron variant.
Genome position (GRCh38, 1-based): chrX:154,431,827, T>C. VCF-style: chrX-154431827-T-C. GRCh37 (hg19) VCF-style: chrX-153660173-T-C.
Identifiers: ClinVar variation 1921926 (VCV001921926.5), dbSNP rs1179588941, ClinGen allele CA873324616.